The following is an entry in ClinVar:

ClinVar aggregate classification (germline): Uncertain significance (1 of 4 stars; one submission).

Conditions:
Breast-ovarian cancer, familial, susceptibility to, 2 (BROVCA2). Also called: BRCA2 Hereditary Breast and Ovarian Cancer. Identifiers: Orphanet 145, MedGen C2675520, MONDO:0012933, OMIM 612555. Disease mechanism: loss of function.

Submission:

All of Us Research Program, National Institutes of Health
Classification: Uncertain significance for Breast-ovarian cancer, familial, susceptibility to, 2. Last evaluated: 2024-02-05. Review status: criteria provided, single submitter. Criteria: ACMG Guidelines, 2015. Collection method: clinical testing. Allele origin: germline. Inheritance: Autosomal dominant inheritance. Observed: 1 variant allele, 1 heterozygote.
Comment: This missense variant replaces serine with tyrosine at codon 775 of the BRCA2 protein. Computational prediction suggests that this variant may not impact protein structure and function. To our knowledge, functional studies have not been reported for this variant. This variant has not been reported in individuals affected with BRCA2-related disorders in the literature. This variant has not been identified in the general population by the Genome Aggregation Database (gnomAD). The available evidence is insufficient to determine the role of this variant in disease conclusively. Therefore, this variant is classified as a Variant of Uncertain Significance.

This study involves interpretation of variants in research participants for the purpose of population health screening. Participant phenotype was not available at the time of variant classification. Additional details can be found in publication PMID: 35346344, PMCID: PMC8962531

NM_000059.4(BRCA2):c.2324C>A (p.Ser775Tyr)

Gene: BRCA2 (BRCA2 DNA repair associated; plus strand). Cytogenetic location: 13q13.1.
Variant type: single nucleotide variant.
Coding change: c.2324C>A on transcript NM_000059.4 (MANE Select); coding-DNA position 2324, C replaced by A.
Protein change: p.Ser775Tyr; replaces serine 775 with tyrosine.
Molecular consequence: missense variant. On other transcripts: non-coding transcript variant (1), intron variant (2).
Genome position (GRCh38, 1-based): chr13:32,336,679, C>A. VCF-style: chr13-32336679-C-A. GRCh37 (hg19) VCF-style: chr13-32910816-C-A.
Other names: c.2324C>A, p.Ser775Tyr (NM_001406719.1, NM_001406720.1); c.1909+3292C>A (NM_001406721.1); c.424+5649C>A (NM_001406722.1); short protein forms S775Y.
Identifiers: ClinVar variation 3075453 (VCV003075453.1), dbSNP rs276174820, ClinGen allele CA387771485.